The following is an entry in ClinVar:

ClinVar aggregate classification (germline): Uncertain significance. Review status: criteria provided, multiple submitters, no conflicts (2 of 4 stars). 3 submissions from 3 submitters: Uncertain significance (3). Last evaluated 2024-04-10.

Conditions:
Hereditary cancer-predisposing syndrome. Also called: Neoplastic Syndromes, Hereditary; Tumor predisposition; Hereditary Cancer Syndrome; Hereditary neoplastic syndrome. Identifiers: Orphanet 140162, MedGen C0027672, MeSH D009386, MONDO:0015356.

Allele frequency attached by ClinVar (database versions not stated): gnomAD exomes below 0.00001 and 0.00001; gnomAD 0.00001; TOPMed 0.00001.
gnomAD v4.1: 20 of 1,613,734 alleles (0.0012%); highest among the groups gnomAD compares: Non-Finnish European, 0.0016%; no homozygotes.

Submissions (3):

Labcorp Genetics (formerly Invitae), Labcorp
Classification: Uncertain significance for Hereditary cancer-predisposing syndrome. Last evaluated: 2024-04-10. Review status: criteria provided, single submitter. Criteria: Invitae Variant Classification Sherloc (09022015). Collection method: clinical testing. Allele origin: germline.
Comment: This sequence change replaces methionine, which is neutral and non-polar, with valine, which is neutral and non-polar, at codon 795 of the RAD50 protein (p.Met795Val). This variant is present in population databases (no rsID available, gnomAD 0.004%). This missense change has been observed in individual(s) with breast cancer (PMID: 36315513). ClinVar contains an entry for this variant (Variation ID: 234088). Advanced modeling of protein sequence and biophysical properties (such as structural, functional, and spatial information, amino acid conservation, physicochemical variation, residue mobility, and thermodynamic stability) performed at Invitae indicates that this missense variant is not expected to disrupt RAD50 protein function with a negative predictive value of 80%. In summary, the available evidence is currently insufficient to determine the role of this variant in disease. Therefore, it has been classified as a Variant of Uncertain Significance.

Quest Diagnostics Nichols Institute San Juan Capistrano
Classification: Uncertain significance. Last evaluated: 2023-06-23. Review status: criteria provided, single submitter. Criteria: Quest Diagnostics criteria. Collection method: clinical testing. Allele origin: unknown.
Comment: In the published literature, this variant has been reported in individuals with breast cancer (PMID: 36315513 (2022), 33471991 (2021), see also LOVD). The frequency of this variant in the general population, 0.000004 (1/250902 chromosomes (Genome Aggregation Database)), is uninformative in the assessment of its pathogenicity. Analysis of this variant using bioinformatics tools for the prediction of the effect of amino acid changes on protein structure and function yielded predictions that this variant is benign. Based on the available information, we are unable to determine the clinical significance of this variant.

Ambry Genetics
Classification: Uncertain significance for Hereditary cancer-predisposing syndrome. Last evaluated: 2023-04-28. Review status: criteria provided, single submitter. Criteria: Ambry Variant Classification Scheme 2023. Collection method: clinical testing. Allele origin: germline.
Comment: The p.M795V variant (also known as c.2383A>G), located in coding exon 14 of the RAD50 gene, results from an A to G substitution at nucleotide position 2383. The methionine at codon 795 is replaced by valine, an amino acid with highly similar properties. This variant was reported in 1/60,466 breast cancer cases and in 0/53,461 controls (Dorling et al. N Engl J Med. 2021 02;384:428-439). This amino acid position is highly conserved in available vertebrate species. In addition, this alteration is predicted to be deleterious by in silico analysis. Since supporting evidence is limited at this time, the clinical significance of this alteration remains unclear.

Literature cited by the submitters: PubMed 36315513 (cited by Labcorp Genetics (formerly Invitae), Labcorp and Quest Diagnostics Nichols Institute San Juan Capistrano); PubMed 33471991 (cited by Quest Diagnostics Nichols Institute San Juan Capistrano and Ambry Genetics).

NM_005732.4(RAD50):c.2383A>G (p.Met795Val)

Gene: RAD50 (RAD50 double strand break repair protein; plus strand). Cytogenetic location: 5q31.1.
Variant type: single nucleotide variant.
Coding change: c.2383A>G on transcript NM_005732.4 (MANE Select); coding-DNA position 2383, A replaced by G.
Protein change: p.Met795Val; replaces methionine 795 with valine.
Molecular consequence: missense variant.
Genome position (GRCh38, 1-based): chr5:132,603,475, A>G. VCF-style: chr5-132603475-A-G. GRCh37 (hg19) VCF-style: chr5-131939167-A-G.
Other names: short protein forms M795V.
Identifiers: ClinVar variation 234088 (VCV000234088.15), dbSNP rs876660841, ClinGen allele CA10578564.
Genomic context (GRCh38, chr5:132,603,475, plus strand): 5'-TTGGGTACAATAATGCCTGAAGAAGAAAGTGCCAAAGTATGCCTGACAGATGTTACAATT[A>G]TGGAGAGGTTCCAGGTAAGTTTATTGTAGTTTAAGGCAGAATAAAACTTGTTCCATGGTG-3'
Protein context (NP_005723.2, residues 785-805): AKVCLTDVTI[Met795Val]ERFQMELKDV